The following is an entry in ClinVar:

ClinVar aggregate classification (germline): Likely benign (0 of 4 stars; one submission).

Conditions:
NRP2-related disorder. Also called: NRP2-related condition.

gnomAD v4.1: 3 of 1,613,092 alleles (0.00019%); highest among the groups gnomAD compares: Admixed American, 0.0017%; no homozygotes.

Submission:

PreventionGenetics, part of Exact Sciences
Classification: Likely benign for NRP2-related condition. Last evaluated: 2023-08-10. Review status: no assertion criteria provided. Collection method: clinical testing. Allele origin: germline.
Comment: This variant is classified as likely benign based on ACMG/AMP sequence variant interpretation guidelines (Richards et al. 2015 PMID: 25741868, with internal and published modifications).

NM_003872.3(NRP2):c.1787-3C>T

Gene: NRP2 (neuropilin 2; plus strand). Cytogenetic location: 2q33.3.
Variant type: single nucleotide variant.
Coding change: c.1787-3C>T on transcript NM_003872.3 (MANE Select); 3 bases into the intron before coding-DNA position 1787, C replaced by T.
Molecular consequence: intron variant.
Genome position (GRCh38, 1-based): chr2:205,749,722, C>T. VCF-style: chr2-205749722-C-T. GRCh37 (hg19) VCF-style: chr2-206614446-C-T.
Other names: c.1787-3C>T (NM_201266.2, NM_201279.2, NM_018534.4 and 1 more transcripts).
Identifiers: ClinVar variation 3353785 (VCV003353785.1).